The following is an entry in ClinVar:

ClinVar aggregate classification (germline): Likely benign. Review status: criteria provided, multiple submitters, no conflicts (2 of 4 stars). 2 submissions from 2 submitters: Likely benign (2). Last evaluated 2025-04-28.

Conditions:
Neuropathy, hereditary sensory and autonomic, type 1C. Also called: HSAN IC; HSN IC. Identifiers: Orphanet 36386, MedGen C3150896, MONDO:0013337, OMIM 613640.
SPTLC2-related disorder. Also called: SPTLC2-related condition.

Allele frequency attached by ClinVar (database versions not stated): ExAC 0.00004; gnomAD 0.00012; TOPMed 0.00014; ESP Exome Variant Server 0.00023.
gnomAD v4.1: 41 of 1,614,086 alleles (0.0025%); highest among the groups gnomAD compares: African/African-American, 0.039%; no homozygotes.

Submissions (2):

Labcorp Genetics (formerly Invitae), Labcorp
Classification: Likely benign for Neuropathy, hereditary sensory and autonomic, type 1C. Last evaluated: 2025-04-28. Review status: criteria provided, single submitter. Criteria: Invitae Variant Classification Sherloc (09022015). Collection method: clinical testing. Allele origin: germline.

PreventionGenetics, part of Exact Sciences
Classification: Likely benign for SPTLC2-related condition. Last evaluated: 2025-03-17. Review status: criteria provided, single submitter. Criteria: ACMG Guidelines, 2015. Collection method: clinical testing. Allele origin: germline.
Comment: This variant is classified as likely benign based on ACMG/AMP sequence variant interpretation guidelines (Richards et al. 2015 PMID: 25741868, with internal and published modifications).

NM_004863.4(SPTLC2):c.1017A>G (p.Ala339=)

Gene: SPTLC2 (serine palmitoyltransferase long chain base subunit 2; minus strand). Cytogenetic location: 14q24.3.
Variant type: single nucleotide variant.
Coding change: c.1017A>G on transcript NM_004863.4 (MANE Select); coding-DNA position 1017, A replaced by G.
Protein change: p.Ala339=; no amino-acid change (alanine 339 retained).
Molecular consequence: synonymous variant.
Genome position (GRCh38, 1-based): chr14:77,555,459, T>C on the plus strand (A>G on the coding strand, the complement: SPTLC2 is on the minus strand). VCF-style: chr14-77555459-T-C. GRCh37 (hg19) VCF-style: chr14-78021802-T-C.
Identifiers: ClinVar variation 1931469 (VCV001931469.6), dbSNP rs149375041, ClinGen allele CA7289298.